The following is an entry in ClinVar:

NM_004336.5(BUB1):c.1191G>A (p.Met397Ile)

Gene: BUB1 (BUB1 mitotic checkpoint serine/threonine kinase; minus strand). Cytogenetic location: 2q13.
Variant type: single nucleotide variant.
Coding change: c.1191G>A on transcript NM_004336.5 (MANE Select); coding-DNA position 1191, G replaced by A.
Protein change: p.Met397Ile; replaces methionine 397 with isoleucine.
Molecular consequence: missense variant.
Genome position (GRCh38, 1-based): chr2:110,661,608, C>T on the plus strand (G>A on the coding strand, the complement: BUB1 is on the minus strand). VCF-style: chr2-110661608-C-T. GRCh37 (hg19) VCF-style: chr2-111419185-C-T.
Other names: c.1131G>A, p.Met377Ile (NM_001278616.2); c.1191G>A, p.Met397Ile (NM_001278617.2); short protein forms M377I, M397I.
Identifiers: ClinVar variation 2451282 (VCV002451282.2), dbSNP rs2468017188, ClinGen allele CA348214226.

ClinVar aggregate classification (germline): Uncertain significance (1 of 4 stars; one submission).

Submission:

Ambry Genetics
Classification: Uncertain significance. Last evaluated: 2023-03-09. Review status: criteria provided, single submitter. Criteria: Ambry Variant Classification Scheme 2023. Collection method: clinical testing. Allele origin: germline.
Comment: The p.M397I variant (also known as c.1191G>A), located in coding exon 10 of the BUB1 gene, results from a G to A substitution at nucleotide position 1191. The methionine at codon 397 is replaced by isoleucine, an amino acid with highly similar properties. This amino acid position is conserved. In addition, this alteration is predicted to be tolerated by in silico analysis. Since supporting evidence is limited at this time, the clinical significance of this alteration remains unclear.